The following is an entry in ClinVar:

ClinVar aggregate classification (germline): Conflicting classifications of pathogenicity. Review status: criteria provided, conflicting classifications (1 of 4 stars). 10 submissions from 10 submitters: Uncertain significance (6); Benign (1); Likely benign (1). 2 of the submissions do not count toward it. Last evaluated 2026-01-31.

Conditions:
Pheochromocytoma/paraganglioma syndrome 4. Also called: SDHB-Related Hereditary Paraganglioma-Pheochromocytoma Syndrome (Paragangliomas 4); SDHB-Related Hereditary Paraganglioma-Pheochromocytoma Syndrome; Paragangliomas 4; CAROTID BODY TUMORS AND MULTIPLE EXTRAADRENAL PHEOCHROMOCYTOMAS; PARAGANGLIOMA, FAMILIAL MALIGNANT; PARAGANGLIOMAS, HEREDITARY EXTRAADRENAL. Identifiers: Orphanet 29072, MedGen C1861848, MONDO:0007273, OMIM 115310.
Pheochromocytoma. Also called: MAX-Related Hereditary Paraganglioma-Pheochromocytoma Syndrome. Identifiers: Orphanet 29072, MedGen C0031511, MONDO:0008233, OMIM 171300, HP:0002666.
Gastrointestinal stromal tumor. Also called: Gastrointestinal stromal tumor, somatic; Gastrointestinal stroma tumor. Identifiers: Orphanet 44890, MedGen C0238198, MeSH D046152, MONDO:0011719, OMIM 606764, HP:0100723.
Cowden syndrome (CS). Also called: Cowden's disease; Cowden's syndrome; Cowden disease. Identifiers: Orphanet 201, MedGen C0018553, MONDO:0016063. Disease mechanism: gain of function.
Hereditary cancer-predisposing syndrome. Also called: Neoplastic Syndromes, Hereditary; Hereditary Cancer Syndrome; Tumor predisposition; Hereditary neoplastic syndrome. Identifiers: Orphanet 140162, MedGen C0027672, MeSH D009386, MONDO:0015356.
Hereditary pheochromocytoma and paraganglioma. Also called: Hereditary Paraganglioma-Pheochromocytoma Syndromes; Hereditary paragangliomas and pheochromocytomas; Hereditary pheochromocytoma-paraganglioma. Identifiers: Orphanet 29072, MedGen C4274332, MONDO:0017366.

Allele frequency attached by ClinVar (database versions not stated): TOPMed 0.00004.

Submissions (10):

Labcorp Genetics (formerly Invitae), Labcorp
Classification: Likely benign for Gastrointestinal stromal tumor; Pheochromocytoma/paraganglioma syndrome 4; Pheochromocytoma. Last evaluated: 2026-01-31. Review status: criteria provided, single submitter. Criteria: Invitae Variant Classification Sherloc (09022015). Collection method: clinical testing. Allele origin: germline.

GeneDx
Classification: Uncertain significance. Last evaluated: 2024-05-06. Review status: criteria provided, single submitter. Criteria: GeneDx Variant Classification Process June 2021. Collection method: clinical testing. Allele origin: germline. Affected: yes.
Comment: In silico analysis supports that this missense variant does not alter protein structure/function; This variant is associated with the following publications: (PMID: 25637381, 28873162, 29386252, 21979946)

Baylor Genetics
Classification: Uncertain significance for Gastrointestinal stromal tumor. Last evaluated: 2024-03-19. Review status: criteria provided, single submitter. Criteria: ACMG Guidelines, 2015. Collection method: clinical testing. Allele origin: unknown.

Color Diagnostics, LLC DBA Color Health
Classification: Uncertain significance for Hereditary pheochromocytoma and paraganglioma. Last evaluated: 2024-01-30. Review status: criteria provided, single submitter. Criteria: ACMG Guidelines, 2015. Collection method: clinical testing. Allele origin: germline.
Comment: This missense variant replaces arginine with glycine at codon 27 of the SDHB protein. Computational prediction is inconclusive regarding the impact of this variant on protein structure and function. To our knowledge, functional studies have not been reported for this variant. This variant has not been reported in individuals affected with SDHB-related disorders in the literature. This variant has been identified in 11/250516 chromosomes in the general population by the Genome Aggregation Database (gnomAD). The available evidence is insufficient to determine the role of this variant in disease conclusively. Therefore, this variant is classified as a Variant of Uncertain Significance.

Myriad Genetics, Inc.
Classification: Uncertain significance for Pheochromocytoma/paraganglioma syndrome 4. Last evaluated: 2023-04-24. Review status: criteria provided, single submitter. Criteria: Myriad Autosomal Dominant, Autosomal Recessive and X-Linked Classification Criteria (2023). Collection method: clinical testing. Allele origin: unknown.
Comment: This variant is classified as a variant of uncertain significance as there is insufficient evidence to determine its impact on protein function and/or cancer risk.

Department of Pathology and Laboratory Medicine, Sinai Health System
Classification: Uncertain significance for Cowden syndrome. Last evaluated: 2023-03-20. Review status: criteria provided, single submitter. Criteria: ACMG Guidelines, 2015. Collection method: clinical testing. Allele origin: germline. Affected: yes.

Ambry Genetics
Classification: Benign for Hereditary cancer-predisposing syndrome. Last evaluated: 2016-09-30. Review status: criteria provided, single submitter. Criteria: Ambry Variant Classification Scheme 2023. Collection method: clinical testing. Allele origin: germline.

Laboratory for Molecular Medicine, Mass General Brigham Personalized Medicine
Classification: Uncertain significance. Last evaluated: 2016-08-12. Review status: criteria provided, single submitter. Criteria: LMM Criteria. Collection method: clinical testing. Allele origin: germline.
Comment: Variant identified in a genome or exome case(s) and assessed due to predicted null impact of the variant or pathogenic assertions in the literature or databases. Disclaimer: This variant has not undergone full assessment. ClinVar: 1 VUS

Counsyl
Classification: Uncertain significance for Pheochromocytoma/paraganglioma syndrome 4. Last evaluated: 2015-11-21. Review status: no assertion criteria provided. Collection method: clinical testing. Allele origin: unknown. Not counted in ClinVar's aggregate classification.

CSER _CC_NCGL, University of Washington
Classification: Uncertain significance for Phaeochromocytoma. Last evaluated: 2014-06-01. Review status: no assertion criteria provided. Collection method: research. Allele origin: germline. Inheritance: Autosomal dominant inheritance. Study: ESP 6500 variant annotation. Not counted in ClinVar's aggregate classification.
Comment: Variants classified for the Actionable exomic incidental findings in 6503 participants: challenges of variant classification manuscript

Literature cited by the submitters: PubMed 21979946 (cited by 3 submitters); PubMed 25637381 (cited by Ambry Genetics).

NM_003000.3(SDHB):c.79C>G (p.Arg27Gly)

Gene: SDHB (succinate dehydrogenase complex iron sulfur subunit B; minus strand). Cytogenetic location: 1p36.13.
Variant type: single nucleotide variant.
Coding change: c.79C>G on transcript NM_003000.3 (MANE Select); coding-DNA position 79, C replaced by G.
Protein change: p.Arg27Gly; replaces arginine 27 with glycine.
Molecular consequence: missense variant.
Genome position (GRCh38, 1-based): chr1:17,044,882, G>C on the plus strand (C>G on the coding strand, the complement: SDHB is on the minus strand). VCF-style: chr1-17044882-G-C. GRCh37 (hg19) VCF-style: chr1-17371377-G-C.
Other names: short protein forms R27G.
Identifiers: ClinVar variation 161386 (VCV000161386.27), dbSNP rs74315369, ClinGen allele CA016179.